The following is an entry in ClinVar:

ClinVar aggregate classification (germline): Benign. Review status: criteria provided, multiple submitters, no conflicts (2 of 4 stars). 3 submissions from 3 submitters: Benign (3). Last evaluated 2024-01-24.

Allele frequency attached by ClinVar (database versions not stated): 1000 Genomes Project 30x 0.23220; TOPMed 0.23300; 1000 Genomes Project 0.23383; gnomAD 0.24630 and 0.24722.

Submissions (3):

Unidad de Genómica Garrahan, Hospital de Pediatría Garrahan
Classification: Benign. Last evaluated: 2024-01-24. Review status: criteria provided, single submitter. Criteria: ACMG Guidelines, 2015. Collection method: clinical testing. Allele origin: germline. Affected: no. Observed: 29 variant alleles.
Comment: This variant is classified as Benign based on local population frequency. This variant was detected in 31% of patients studied by a panel of primary immunodeficiencies. Number of patients: 29. Only high quality variants are reported.

GeneDx
Classification: Benign. Last evaluated: 2015-03-03. Review status: criteria provided, single submitter. Criteria: GeneDx Variant Classification Process June 2021. Collection method: clinical testing. Allele origin: germline. Affected: yes.

Breakthrough Genomics
Classification: Benign. Review status: criteria provided, single submitter. Criteria: ACMG Guidelines, 2015. Collection method: not provided. Allele origin: germline. Inheritance: Autosomal recessive inheritance. Affected: yes.

NM_002185.5(IL7R):c.221+60C>G

Gene: IL7R (interleukin 7 receptor; plus strand). Cytogenetic location: 5p13.2.
Variant type: single nucleotide variant.
Coding change: c.221+60C>G on transcript NM_002185.5 (MANE Select); 60 bases into the intron after coding-DNA position 221, C replaced by G.
Molecular consequence: intron variant.
Genome position (GRCh38, 1-based): chr5:35,861,050, C>G. VCF-style: chr5-35861050-C-G. GRCh37 (hg19) VCF-style: chr5-35861152-C-G.
Identifiers: ClinVar variation 1245300 (VCV001245300.5), dbSNP rs11567705, ClinGen allele CA15370006.